The following is an entry in ClinVar:

NM_017617.5(NOTCH1):c.5732C>G (p.Ser1911Cys)

Gene: NOTCH1 (notch receptor 1; minus strand). Cytogenetic location: 9q34.3.
Variant type: single nucleotide variant.
Coding change: c.5732C>G on transcript NM_017617.5 (MANE Select); coding-DNA position 5732, C replaced by G.
Protein change: p.Ser1911Cys; replaces serine 1911 with cysteine.
Molecular consequence: missense variant.
Genome position (GRCh38, 1-based): chr9:136,500,754, G>C on the plus strand (C>G on the coding strand, the complement: NOTCH1 is on the minus strand). VCF-style: chr9-136500754-G-C. GRCh37 (hg19) VCF-style: chr9-139395206-G-C.
Other names: short protein forms S1911C.
Identifiers: ClinVar variation 1749337 (VCV001749337.2), dbSNP rs2133326405, ClinGen allele CA375637442.

ClinVar aggregate classification (germline): Uncertain significance (1 of 4 stars; one submission).

Conditions:
Familial thoracic aortic aneurysm and aortic dissection (TAAD). Also called: Thoracic aortic aneurysms and dissections. Identifiers: Orphanet 91387, MedGen C4707243, MONDO:0019625.

Submission:

Ambry Genetics
Classification: Uncertain significance for Familial thoracic aortic aneurysm and aortic dissection. Last evaluated: 2022-03-30. Review status: criteria provided, single submitter. Criteria: Ambry Variant Classification Scheme 2023. Collection method: clinical testing. Allele origin: germline.
Comment: The p.S1911C variant (also known as c.5732C>G), located in coding exon 31 of the NOTCH1 gene, results from a C to G substitution at nucleotide position 5732. The serine at codon 1911 is replaced by cysteine, an amino acid with dissimilar properties. This amino acid position is conserved. In addition, this alteration is predicted to be tolerated by in silico analysis. Since supporting evidence is limited at this time, the clinical significance of this alteration remains unclear.